The following is an entry in ClinVar:

NM_033310.3(KCNK4):c.346G>A (p.Gly116Arg)

Genes: KCNK4 (potassium two pore domain channel subfamily K member 4; plus strand), KCNK4-CATSPERZ (KCNK4-CATSPERZ readthrough (NMD candidate); plus strand). Cytogenetic location: 11q13.1.
Variant type: single nucleotide variant.
Coding change: c.346G>A on transcript NM_033310.3 (MANE Select); coding-DNA position 346, G replaced by A.
Protein change: p.Gly116Arg; replaces glycine 116 with arginine.
Molecular consequence: missense variant. On other transcripts: non-coding transcript variant (3).
Genome position (GRCh38, 1-based): chr11:64,297,151, G>A. VCF-style: chr11-64297151-G-A. GRCh37 (hg19) VCF-style: chr11-64064623-G-A.
Other names: c.346G>A, p.Gly116Arg (NM_001317090.2, NM_033311.1); c.346G>A (NM_033310.2); short protein forms G116R.
Identifiers: ClinVar variation 2867106 (VCV002867106.4), dbSNP rs1405790645, ClinGen allele CA381163878.

ClinVar aggregate classification (germline): Uncertain significance. Review status: criteria provided, multiple submitters, no conflicts (2 of 4 stars). 2 submissions from 2 submitters: Uncertain significance (2). Last evaluated 2025-08-07.

Submissions (2):

Ambry Genetics
Classification: Uncertain significance. Last evaluated: 2025-08-07. Review status: criteria provided, single submitter. Criteria: Ambry Variant Classification Scheme 2023. Collection method: clinical testing. Allele origin: germline.

Labcorp Genetics (formerly Invitae), Labcorp
Classification: Uncertain significance. Last evaluated: 2023-07-26. Review status: criteria provided, single submitter. Criteria: Invitae Variant Classification Sherloc (09022015). Collection method: clinical testing. Allele origin: germline.
Comment: In summary, the available evidence is currently insufficient to determine the role of this variant in disease. Therefore, it has been classified as a Variant of Uncertain Significance. An algorithm developed to predict the effect of missense changes on protein structure and function (PolyPhen-2) suggests that this variant is likely to be disruptive. This variant has not been reported in the literature in individuals affected with KCNK4-related conditions. This variant is present in population databases (no rsID available, gnomAD 0.007%). This sequence change replaces glycine, which is neutral and non-polar, with arginine, which is basic and polar, at codon 116 of the KCNK4 protein (p.Gly116Arg).